The following is an entry in ClinVar:

NM_000032.5(ALAS2):c.1321G>A (p.Glu441Lys)

Gene: ALAS2 (5'-aminolevulinate synthase 2; minus strand). Cytogenetic location: Xp11.21.
Variant type: single nucleotide variant.
Coding change: c.1321G>A on transcript NM_000032.5 (MANE Select); coding-DNA position 1321, G replaced by A.
Protein change: p.Glu441Lys; replaces glutamic acid 441 with lysine.
Molecular consequence: missense variant.
Genome position (GRCh38, 1-based): chrX:55,014,863, C>T on the plus strand (G>A on the coding strand, the complement: ALAS2 is on the minus strand). VCF-style: chrX-55014863-C-T. GRCh37 (hg19) VCF-style: chrX-55041296-C-T.
Other names: c.1321G>A, p.Glu441Lys (LRG_1163t1); c.1210G>A, p.Glu404Lys (NM_001037967.4); c.1282G>A, p.Glu428Lys (NM_001037968.4); short protein forms E441K, E428K, E404K.
Identifiers: ClinVar variation 368594 (VCV000368594.10), dbSNP rs760790600, ClinGen allele CA10428316.

ClinVar aggregate classification (germline): Benign/Likely benign. Review status: criteria provided, multiple submitters, no conflicts (2 of 4 stars). 3 submissions from 3 submitters: Benign (1); Likely benign (1). 1 of the submissions does not count toward it. Last evaluated 2025-11-16.

Conditions:
X-linked sideroblastic anemia 1. Also called: Erythroid 5-aminolevulinate synthase deficiency; X chromosome-linked sideroblastic anemia; X-linked pyridoxine-refractory sideroblastic anemia; ANEMIA, SIDEROBLASTIC, 1, PYRIDOXINE REFRACTORY; Anemia, sideroblastic, 1; Anemia, hereditary sideroblastic 1, pyridoxine refractory. Identifiers: Orphanet 75563, MedGen C4551511, MONDO:0020721, OMIM 300751. Disease mechanism: loss of function.

Allele frequency attached by ClinVar (database versions not stated): gnomAD below 0.00001 and 0.00012; TOPMed 0.00003; gnomAD exomes 0.00032; ExAC 0.00051; 1000 Genomes Project 30x 0.00125; 1000 Genomes Project 0.00159.
gnomAD v4.1: 195 of 1,205,566 alleles (0.016%); highest among the groups gnomAD compares: South Asian, 0.32%; 1 homozygote.

Submissions (3):

Labcorp Genetics (formerly Invitae), Labcorp
Classification: Likely benign. Last evaluated: 2025-11-16. Review status: criteria provided, single submitter. Criteria: Invitae Variant Classification Sherloc (09022015). Collection method: clinical testing. Allele origin: germline.

Illumina Laboratory Services, Illumina
Classification: Benign for X-linked sideroblastic anemia 1. Last evaluated: 2018-01-12. Review status: criteria provided, single submitter. Criteria: ICSL Variant Classification Criteria 13 December 2019. Collection method: clinical testing. Allele origin: germline.
Comment: This variant was observed in the ICSL laboratory as part of a predisposition screen in an ostensibly healthy population. It had not been previously curated by ICSL or reported in the Human Gene Mutation Database (HGMD: prior to June 1st, 2018), and was therefore a candidate for classification through an automated scoring system. Utilizing variant allele frequency, disease prevalence and penetrance estimates, and inheritance mode, an automated score was calculated to assess if this variant is too frequent to cause the disease. Based on the score and internal cut-off values, a variant classified as benign is not then subjected to further curation. The score for this variant resulted in a classification of benign for this disease.

Department of Pathology and Laboratory Medicine, Sinai Health System
Classification: Likely benign. Review status: no assertion criteria provided. Collection method: clinical testing. Allele origin: unknown. Affected: yes. Study: The Canadian Open Genetics Repository (COGR). Not counted in ClinVar's aggregate classification.
Comment: The ALAS2 p.E441K variant was not identified in the literature but was identified in dbSNP (ID: rs760790600) and ClinVar (classified as benign by Illumina). The variant was identified in control databases in 54 of 189826 chromosomes (1 homozygous; 26 hemizygous) at a frequency of 0.0002845 (Genome Aggregation Database March 6, 2019, v2.1.1). The p.E441 residue is conserved in mammals and computational analyses (MUT Assesor, PolyPhen-2, SIFT, MutationTaster, Revel, FATHMM, MetaLR, DANN) provide inconsistent predictions regarding the impact to the protein; this information is not very predictive of pathogenicity. The variant occurs outside of the splicing consensus sequence and in silico or computational prediction software programs (Splice AI exome) do not predict a deleterious effect on splicing. In summary, based on the above information the clinical significance of this variant cannot be determined with certainty at this time although we would lean towards a more benign role for this variant. This variant is classified as likely benign.